The following is an entry in ClinVar:

ClinVar aggregate classification (germline): Uncertain significance. Review status: criteria provided, multiple submitters, no conflicts (2 of 4 stars). 2 submissions from 2 submitters: Uncertain significance (2). Last evaluated 2025-07-25.

Conditions:
Gait ataxia. Identifiers: MedGen C0751837, HP:0002066.

gnomAD v4.1: 23 of 1,613,986 alleles (0.0014%); highest among the groups gnomAD compares: Middle Eastern, 0.016%; no homozygotes.

Submissions (2):

Clinical Genetics Laboratory, Skane University Hospital Lund
Classification: Uncertain significance for Gait ataxia. Last evaluated: 2025-07-25. Review status: criteria provided, single submitter. Criteria: ACMG Guidelines, 2015. Collection method: clinical testing. Allele origin: germline.
Comment: ACMG-criteria applied: PM2 (no homozygotes in gnomAD v.4.1.0), PM3_supporting (homozygous occurrence in this patient). Phenotype not consistent with BUD13-related conditions.

Ambry Genetics
Classification: Uncertain significance. Last evaluated: 2024-06-10. Review status: criteria provided, single submitter. Criteria: Ambry Variant Classification Scheme 2023. Collection method: clinical testing. Allele origin: germline.

NM_032725.4(BUD13):c.293G>T (p.Arg98Leu)

Gene: BUD13 (BUD13 spliceosome associated protein; minus strand). Cytogenetic location: 11q23.3.
Variant type: single nucleotide variant.
Coding change: c.293G>T on transcript NM_032725.4 (MANE Select); coding-DNA position 293, G replaced by T.
Protein change: p.Arg98Leu; replaces arginine 98 with leucine.
Molecular consequence: missense variant.
Genome position (GRCh38, 1-based): chr11:116,765,391, C>A on the plus strand (G>T on the coding strand, the complement: BUD13 is on the minus strand). VCF-style: chr11-116765391-C-A. GRCh37 (hg19) VCF-style: chr11-116636107-C-A.
Other names: c.293G>T, p.Arg98Leu (NM_001159736.2); short protein forms R98L.
Identifiers: ClinVar variation 3262322 (VCV003262322.2).